The following is an entry in ClinVar:

NM_021254.4(CFAP298):c.164G>C (p.Gly55Ala)

Genes: CFAP298 (cilia and flagella associated protein 298; minus strand), CFAP298-TCP10L (CFAP298-TCP10L readthrough; minus strand). Cytogenetic location: 21q22.11.
Variant type: single nucleotide variant.
Coding change: c.164G>C on transcript NM_021254.4 (MANE Select); coding-DNA position 164, G replaced by C.
Protein change: p.Gly55Ala; replaces glycine 55 with alanine.
Molecular consequence: missense variant. On other transcripts: non-coding transcript variant (2), 5 prime UTR variant (1).
Genome position (GRCh38, 1-based): chr21:32,609,981, C>G on the plus strand (G>C on the coding strand, the complement: CFAP298 is on the minus strand). VCF-style: chr21-32609981-C-G. GRCh37 (hg19) VCF-style: chr21-33982291-C-G.
Other names: p.Gly55Ala; c.164G>C, p.Gly55Ala (NM_001350338.2, NM_001350335.2, NM_001350336.2 and 1 more transcripts); c.-66G>C (NM_001350334.2); short protein forms G55A.
Identifiers: ClinVar variation 4542404 (VCV004542404.1).

ClinVar aggregate classification (germline): Uncertain significance (1 of 4 stars; one submission).

Submission:

Mayo Clinic Laboratories, Mayo Clinic
Classification: Uncertain significance. Last evaluated: 2025-12-09. Review status: criteria provided, single submitter. Criteria: ACMG Guidelines, 2015. Collection method: clinical testing. Allele origin: germline. Observed: 1 variant allele.
Comment: PP3, PM2_supporting